The following is an entry in ClinVar:

ClinVar aggregate classification (germline): Benign/Likely benign. Review status: criteria provided, multiple submitters, no conflicts (2 of 4 stars). 4 submissions from 4 submitters: Benign (2); Likely benign (1). 1 of the submissions does not count toward it. Last evaluated 2026-07-01.

Conditions:
Desbuquois dysplasia 1 (DBQD1). Also called: DESBUQUOIS DYSPLASIA 1, KIM VARIANT; MICROMELIC DWARFISM WITH VERTEBRAL AND METAPHYSEAL ABNORMALITIES AND ADVANCED CARPOTARSAL OSSIFICATION. Identifiers: Orphanet 1425, MedGen C4012146, MONDO:0009629, OMIM 251450.
XYLT1-related disorder. Also called: XYLT1-related condition.

Allele frequency attached by ClinVar (database versions not stated): gnomAD exomes 0.00020 and 0.00051; ExAC 0.00075; ESP Exome Variant Server 0.00200; TOPMed 0.00231; 1000 Genomes Project 30x 0.00328; 1000 Genomes Project 0.00359.
gnomAD v4.1: 614 of 1,614,090 alleles (0.038%); highest among the groups gnomAD compares: African/African-American, 0.77%; 7 homozygotes.

Submissions (4):

CeGaT Center for Human Genetics Tuebingen
Classification: Likely benign. Last evaluated: 2026-07-01. Review status: criteria provided, single submitter. Criteria: CeGaT Center For Human Genetics Tuebingen Variant Classification Criteria Version 2. Collection method: clinical testing. Allele origin: germline. Affected: yes. Observed: 1 variant allele.
Comment: XYLT1: BS2

Labcorp Genetics (formerly Invitae), Labcorp
Classification: Benign for Desbuquois dysplasia 1. Last evaluated: 2025-12-24. Review status: criteria provided, single submitter. Criteria: Invitae Variant Classification Sherloc (09022015). Collection method: clinical testing. Allele origin: germline.

Breakthrough Genomics
Classification: Benign. Review status: criteria provided, single submitter. Criteria: ACMG Guidelines, 2015. Collection method: not provided. Allele origin: germline. Inheritance: Autosomal recessive inheritance. Affected: yes.

PreventionGenetics, part of Exact Sciences
Classification: Benign for XYLT1-related condition. Last evaluated: 2020-01-06. Review status: no assertion criteria provided. Collection method: clinical testing. Allele origin: germline. Not counted in ClinVar's aggregate classification.
Comment: This variant is classified as benign based on ACMG/AMP sequence variant interpretation guidelines (Richards et al. 2015 PMID: 25741868, with internal and published modifications).

NM_022166.4(XYLT1):c.2296C>G (p.Pro766Ala)

Gene: XYLT1 (xylosyltransferase 1; minus strand). Cytogenetic location: 16p12.3.
Variant type: single nucleotide variant.
Coding change: c.2296C>G on transcript NM_022166.4 (MANE Select); coding-DNA position 2296, C replaced by G.
Protein change: p.Pro766Ala; replaces proline 766 with alanine.
Molecular consequence: missense variant.
Genome position (GRCh38, 1-based): chr16:17,117,907, G>C on the plus strand (C>G on the coding strand, the complement: XYLT1 is on the minus strand). VCF-style: chr16-17117907-G-C. GRCh37 (hg19) VCF-style: chr16-17211764-G-C.
Other names: c.2296C>G (NM_022166.3); short protein forms P766A.
Identifiers: ClinVar variation 1170018 (VCV001170018.13), dbSNP rs12325439, ClinGen allele CA7927607.
Genomic context (GRCh38, chr16:17,117,907, plus strand): 5'-CCACCCAAATGACGGTCACGGTCACATTAGGTCCCTTCCCCCACTTCTGCATACCCACCG[G>C]CTCATCCATGGGCCCCAGAAGACCCCCAAAGTTGCGGAATAGCCTCTCCTTGGCATCCCA-3'
Protein context (NP_071449.1, residues 756-776): FGGLLGPMDE[Pro766Ala]VGMQKWGKGP